The following is an entry in ClinVar:

NM_001113407.3(LDB1):c.361C>T (p.Arg121Trp)

Genes: LDB1 (LIM domain binding 1; minus strand), LOC126861021 (CDK7 strongly-dependent group 2 enhancer GRCh37_chr10:103870016-103871215; plus strand). Cytogenetic location: 10q24.32.
Variant type: single nucleotide variant.
Coding change: c.361C>T on transcript NM_001113407.3 (MANE Select); coding-DNA position 361, C replaced by T.
Protein change: p.Arg121Trp; replaces arginine 121 with tryptophan.
Molecular consequence: missense variant.
Genome position (GRCh38, 1-based): chr10:102,110,693, G>A on the plus strand (C>T on the coding strand, the complement: LDB1 is on the minus strand). VCF-style: chr10-102110693-G-A. GRCh37 (hg19) VCF-style: chr10-103870450-G-A.
Other names: c.361C>T, p.Arg121Trp (NM_001321612.2); c.253C>T, p.Arg85Trp (NM_003893.5); short protein forms R121W, R85W.
Identifiers: ClinVar variation 4818736 (VCV004818736.1).

ClinVar aggregate classification (germline): Likely pathogenic (1 of 4 stars; one submission).

Conditions:
Autosomal dominant non-syndromic intellectual disability. Identifiers: Orphanet 178469, MedGen C5680502, MONDO:0015802.

Submission:

Department of Human Genetics, University Hospital Bern, Inselspital
Classification: Likely pathogenic for Autosomal dominant non-syndromic intellectual disability. Last evaluated: 2026-03-23. Review status: criteria provided, single submitter. Criteria: ACMG Guidelines, 2015. Collection method: research. Allele origin: de novo. Affected: yes.
Comment: The missense variant affects a highly conserved amino acid in the important dimerization domain and is predicted to have a damaging effect by AlphaMissense and REVEL. Functional assays showed that it impairs dimerization and causes a loss-of-function. In summary, criteria PS3, PS2_Supporting, PM2_Supporting, and PP3 were used.